The following is an entry in ClinVar:

ClinVar aggregate classification (germline): Benign. Review status: criteria provided, single submitter (1 of 4 stars). 2 submissions from 2 submitters: Benign (1). 1 of the submissions does not count toward it. Last evaluated 2023-10-01.

Conditions:
NOS3-related disorder. Also called: NOS3-related condition.

Allele frequency attached by ClinVar (database versions not stated): 1000 Genomes Project 0.00040; 1000 Genomes Project 30x 0.00047; ExAC 0.00060; gnomAD 0.00060; ESP Exome Variant Server 0.00123.
gnomAD v4.1: 1,857 of 1,613,630 alleles (0.12%); highest among the groups gnomAD compares: Non-Finnish European, 0.14%; 1 homozygote.

Submissions (2):

CeGaT Center for Human Genetics Tuebingen
Classification: Benign. Last evaluated: 2023-10-01. Review status: criteria provided, single submitter. Criteria: CeGaT Center For Human Genetics Tuebingen Variant Classification Criteria Version 2. Collection method: clinical testing. Allele origin: germline. Affected: yes. Observed: 1 variant allele.
Comment: NOS3: BS1, BS2

PreventionGenetics, part of Exact Sciences
Classification: Likely benign for NOS3-related condition. Last evaluated: 2022-02-22. Review status: no assertion criteria provided. Collection method: clinical testing. Allele origin: germline. Not counted in ClinVar's aggregate classification.
Comment: This variant is classified as likely benign based on ACMG/AMP sequence variant interpretation guidelines (Richards et al. 2015 PMID: 25741868, with internal and published modifications).

NM_000603.5(NOS3):c.1267G>A (p.Ala423Thr)

Genes: NOS3 (nitric oxide synthase 3; plus strand), LOC126860224 (CDK7 strongly-dependent group 2 enhancer GRCh37_chr7:150698330-150699529; plus strand). Cytogenetic location: 7q36.1.
Variant type: single nucleotide variant.
Coding change: c.1267G>A on transcript NM_000603.5 (MANE Select); coding-DNA position 1267, G replaced by A.
Protein change: p.Ala423Thr; replaces alanine 423 with threonine.
Molecular consequence: missense variant.
Genome position (GRCh38, 1-based): chr7:151,001,264, G>A. VCF-style: chr7-151001264-G-A. GRCh37 (hg19) VCF-style: chr7-150698352-G-A.
Other names: c.1267G>A, p.Ala423Thr (NM_001160109.2, NM_001160110.1, NM_001160111.1); c.1267G>A (NM_000603.4); short protein forms A423T.
Identifiers: ClinVar variation 2658164 (VCV002658164.25), dbSNP rs141089940, ClinGen allele CA4566930.